The following is an entry in ClinVar:

ClinVar aggregate classification (germline): Uncertain significance (1 of 4 stars; one submission).

Conditions:
Epileptic encephalopathy. Identifiers: MedGen C0543888, HP:0200134.

gnomAD v4.1: 16 of 1,612,624 alleles (0.00099%); highest among the groups gnomAD compares: South Asian, 0.018%; no homozygotes.

Submission:

Labcorp Genetics (formerly Invitae), Labcorp
Classification: Uncertain significance for Epileptic encephalopathy. Last evaluated: 2025-10-10. Review status: criteria provided, single submitter. Criteria: Invitae Variant Classification Sherloc (09022015). Collection method: clinical testing. Allele origin: germline.
Comment: This sequence change replaces isoleucine, which is neutral and non-polar, with valine, which is neutral and non-polar, at codon 1784 of the FASN protein (p.Ile1784Val). This variant is present in population databases (rs776055400, gnomAD 0.02%). This variant has not been reported in the literature in individuals affected with FASN-related conditions. An algorithm developed to predict the effect of missense changes on protein structure and function outputs the following: PolyPhen-2: "Benign". The valine amino acid residue is found in multiple mammalian species, which suggests that this missense change does not adversely affect protein function. In summary, the available evidence is currently insufficient to determine the role of this variant in disease. Therefore, it has been classified as a Variant of Uncertain Significance.

NM_004104.5(FASN):c.5350A>G (p.Ile1784Val)

Gene: FASN (fatty acid synthase; minus strand). Cytogenetic location: 17q25.3.
Variant type: single nucleotide variant.
Coding change: c.5350A>G on transcript NM_004104.5 (MANE Select); coding-DNA position 5350, A replaced by G.
Protein change: p.Ile1784Val; replaces isoleucine 1784 with valine.
Molecular consequence: missense variant.
Genome position (GRCh38, 1-based): chr17:82,083,417, T>C on the plus strand (A>G on the coding strand, the complement: FASN is on the minus strand). VCF-style: chr17-82083417-T-C. GRCh37 (hg19) VCF-style: chr17-80041293-T-C.
Other names: short protein forms I1784V.
Identifiers: ClinVar variation 4722644 (VCV004722644.1).
Genomic context (GRCh38, chr17:82,083,417, plus strand): 5'-TGCTCTCGTTGAAGAACGCATCCAGTAGGACCCCGTGGAATGTCACGTTCTTCAGGAAGA[T>C]AGCCATGCCTGCGGGCAGGGGCCGTGCTCACCCAGGGCCTTCCACAGGTCCACCCACACC-3'
Protein context (NP_004095.4, residues 1774-1794): LSQNHPLGMA[Ile1784Val]FLKNVTFHGV